The following is an entry in ClinVar:

ClinVar aggregate classification (germline): Uncertain significance. Review status: criteria provided, multiple submitters, no conflicts (2 of 4 stars). 2 submissions from 2 submitters: Uncertain significance (2). Last evaluated 2025-10-01.

Conditions:
Cystic fibrosis (CF). Also called: MUCOVISCIDOSIS. Identifiers: Orphanet 586, MedGen C0010674, MONDO:0009061, OMIM 219700. Disease mechanism: loss of function.

Allele frequency attached by ClinVar (database versions not stated): TOPMed below 0.00001.

Submissions (2):

Ambry Genetics
Classification: Uncertain significance for Cystic fibrosis. Last evaluated: 2025-10-01. Review status: criteria provided, single submitter. Criteria: Ambry Variant Classification Scheme 2023. Collection method: clinical testing. Allele origin: germline.
Comment: The p.S911T variant (also known as c.2732G>C), located in coding exon 17 of the CFTR gene, results from a G to C substitution at nucleotide position 2732. The serine at codon 911 is replaced by threonine, an amino acid with similar properties. This amino acid position is conserved. In addition, the in silico prediction for this alteration is inconclusive. Based on the available evidence, the clinical significance of this variant remains unclear.

Quest Diagnostics Nichols Institute San Juan Capistrano
Classification: Uncertain significance. Last evaluated: 2018-01-23. Review status: criteria provided, single submitter. Criteria: Quest Diagnostics criteria. Collection method: clinical testing. Allele origin: germline.

NM_000492.4(CFTR):c.2732G>C (p.Ser911Thr)

Gene: CFTR (CF transmembrane conductance regulator; plus strand). Cytogenetic location: 7q31.2.
Variant type: single nucleotide variant.
Coding change: c.2732G>C on transcript NM_000492.4 (MANE Select); coding-DNA position 2732, G replaced by C.
Protein change: p.Ser911Thr; replaces serine 911 with threonine.
Molecular consequence: missense variant.
Genome position (GRCh38, 1-based): chr7:117,603,606, G>C. VCF-style: chr7-117603606-G-C. GRCh37 (hg19) VCF-style: chr7-117243660-G-C.
Other names: short protein forms S911T.
Identifiers: ClinVar variation 619834 (VCV000619834.3), dbSNP rs746301481, ClinGen allele CA368986528.